The following is an entry in ClinVar:

NM_017986.4(SLC52A1):c.131-3C>A

Gene: SLC52A1 (solute carrier family 52 member 1; minus strand). Cytogenetic location: 17p13.2.
Variant type: single nucleotide variant.
Coding change: c.131-3C>A on transcript NM_017986.4 (MANE Select); 3 bases into the intron before coding-DNA position 131, C replaced by A.
Molecular consequence: intron variant.
Genome position (GRCh38, 1-based): chr17:5,034,361, G>T on the plus strand (C>A on the coding strand, the complement: SLC52A1 is on the minus strand). VCF-style: chr17-5034361-G-T. GRCh37 (hg19) VCF-style: chr17-4937656-G-T.
Other names: c.131-3C>A (NM_001104577.2).
Identifiers: ClinVar variation 4734853 (VCV004734853.1).
Genomic context (GRCh38, chr17:5,034,361, plus strand): 5'-AGCAGACCCAGGTTTCCCAGCGCCACAACCACAGAGAGGTATGAGGGGAGGCTCCAACCT[G>T]CAGGGAAGGAATGATGCCATGTCAGGAGCACAGTGGCTAAGGGACAAAGAGCTGCCACAG-3'

ClinVar aggregate classification (germline): Uncertain significance (1 of 4 stars; one submission).

Conditions:
Vitamin B2 deficiency. Identifiers: MedGen C0035528.

Submission:

Labcorp Genetics (formerly Invitae), Labcorp
Classification: Uncertain significance for Vitamin B2 deficiency. Last evaluated: 2026-01-12. Review status: criteria provided, single submitter. Criteria: Invitae Variant Classification Sherloc (09022015). Collection method: clinical testing. Allele origin: germline.
Comment: This sequence change falls in intron 2 of the SLC52A1 gene. It does not directly change the encoded amino acid sequence of the SLC52A1 protein. It affects a nucleotide within the consensus splice site. This variant is not present in population databases (gnomAD no frequency). This variant has not been reported in the literature in individuals affected with SLC52A1-related conditions. Variants that disrupt the consensus splice site are a relatively common cause of aberrant splicing (PMID: 17576681, 9536098). Algorithms developed to predict the effect of sequence changes on RNA splicing suggest that this variant may disrupt the consensus splice site. In summary, the available evidence is currently insufficient to determine the role of this variant in disease. Therefore, it has been classified as a Variant of Uncertain Significance.

Literature cited by the submitters: PubMed 17576681; PubMed 9536098.